The following is an entry in ClinVar:

ClinVar aggregate classification (germline): Uncertain significance (1 of 4 stars; one submission).

Conditions:
3-hydroxy-3-methylglutaryl-CoA synthase deficiency (HMGCS2D). Also called: HMG-CoA synthase-2 deficiency; MITOCHONDRIAL HMG-CoA SYNTHASE DEFICIENCY; HMGCS2 DEFICIENCY. Identifiers: Orphanet 35701, MedGen C2751532, MONDO:0011614, OMIM 605911.

Submission:

Labcorp Genetics (formerly Invitae), Labcorp
Classification: Uncertain significance for 3-hydroxy-3-methylglutaryl-CoA synthase deficiency. Last evaluated: 2025-07-07. Review status: criteria provided, single submitter. Criteria: Invitae Variant Classification Sherloc (09022015). Collection method: clinical testing. Allele origin: germline.
Comment: This sequence change replaces glycine, which is neutral and non-polar, with tryptophan, which is neutral and slightly polar, at codon 339 of the HMGCS2 protein (p.Gly339Trp). This variant is not present in population databases (gnomAD no frequency). This variant has not been reported in the literature in individuals affected with HMGCS2-related conditions. ClinVar contains an entry for this variant (Variation ID: 1475799). An algorithm developed to predict the effect of missense changes on protein structure and function (PolyPhen-2) suggests that this variant is likely to be disruptive. In summary, the available evidence is currently insufficient to determine the role of this variant in disease. Therefore, it has been classified as a Variant of Uncertain Significance.

NM_005518.4(HMGCS2):c.1015G>T (p.Gly339Trp)

Gene: HMGCS2 (3-hydroxy-3-methylglutaryl-CoA synthase 2; minus strand). Cytogenetic location: 1p12.
Variant type: single nucleotide variant.
Coding change: c.1015G>T on transcript NM_005518.4 (MANE Select); coding-DNA position 1015, G replaced by T.
Protein change: p.Gly339Trp; replaces glycine 339 with tryptophan.
Molecular consequence: missense variant.
Genome position (GRCh38, 1-based): chr1:119,757,274, C>A on the plus strand (G>T on the coding strand, the complement: HMGCS2 is on the minus strand). VCF-style: chr1-119757274-C-A. GRCh37 (hg19) VCF-style: chr1-120299897-C-A.
Other names: c.889G>T, p.Gly297Trp (NM_001166107.1); short protein forms G339W, G297W.
Identifiers: ClinVar variation 1475799 (VCV001475799.6), dbSNP rs775277893, ClinGen allele CA341860011.